The following is an entry in ClinVar:

NM_001184.4(ATR):c.1642A>G (p.Arg548Gly)

Gene: ATR (ATR checkpoint kinase; minus strand). Cytogenetic location: 3q23.
Variant type: single nucleotide variant.
Coding change: c.1642A>G on transcript NM_001184.4 (MANE Select); coding-DNA position 1642, A replaced by G.
Protein change: p.Arg548Gly; replaces arginine 548 with glycine.
Molecular consequence: missense variant.
Genome position (GRCh38, 1-based): chr3:142,559,341, T>C on the plus strand (A>G on the coding strand, the complement: ATR is on the minus strand). VCF-style: chr3-142559341-T-C. GRCh37 (hg19) VCF-style: chr3-142278183-T-C.
Other names: c.1450A>G, p.Arg484Gly (NM_001354579.2); short protein forms R548G, R484G.
Identifiers: ClinVar variation 1777072 (VCV001777072.5), dbSNP rs776649237, ClinGen allele CA2650544.

ClinVar aggregate classification (germline): Uncertain significance. Review status: criteria provided, multiple submitters, no conflicts (2 of 4 stars). 2 submissions from 2 submitters: Uncertain significance (2). Last evaluated 2023-02-21.

Conditions:
Inborn genetic diseases. Identifiers: MedGen C0950123, MeSH D030342.

Allele frequency attached by ClinVar (database versions not stated): gnomAD exomes below 0.00001; ExAC 0.00001.
gnomAD v4.1: 3 of 1,613,980 alleles (0.00019%); highest among the groups gnomAD compares: Non-Finnish European, 0.00017%; no homozygotes.

Submissions (2):

Labcorp Genetics (formerly Invitae), Labcorp
Classification: Uncertain significance. Last evaluated: 2023-02-21. Review status: criteria provided, single submitter. Criteria: Invitae Variant Classification Sherloc (09022015). Collection method: clinical testing. Allele origin: germline.
Comment: This variant has not been reported in the literature in individuals affected with ATR-related conditions. This variant is present in population databases (rs776649237, gnomAD 0.0009%). This sequence change replaces arginine, which is basic and polar, with glycine, which is neutral and non-polar, at codon 548 of the ATR protein (p.Arg548Gly). In summary, the available evidence is currently insufficient to determine the role of this variant in disease. Therefore, it has been classified as a Variant of Uncertain Significance. An algorithm developed to predict the effect of missense changes on protein structure and function (PolyPhen-2) suggests that this variant is likely to be tolerated. ClinVar contains an entry for this variant (Variation ID: 1777072).

Ambry Genetics
Classification: Uncertain significance for Inborn genetic diseases. Last evaluated: 2022-04-06. Review status: criteria provided, single submitter. Criteria: Ambry Variant Classification Scheme 2023. Collection method: clinical testing. Allele origin: germline.
Comment: The p.R548G variant (also known as c.1642A>G), located in coding exon 7 of the ATR gene, results from an A to G substitution at nucleotide position 1642. The arginine at codon 548 is replaced by glycine, an amino acid with dissimilar properties. This amino acid position is conserved. In addition, this alteration is predicted to be tolerated by in silico analysis. Since supporting evidence is limited at this time, the clinical significance of this alteration remains unclear.